The following is an entry in ClinVar:

NM_000543.5(SMPD1):c.108GCTGGC[8] (p.38AL[8])

Gene: SMPD1 (sphingomyelin phosphodiesterase 1; plus strand). Cytogenetic location: 11p15.4.
Variant type: Microsatellite.
Coding change: c.108GCTGGC[8] on transcript NM_000543.5 (MANE Select); eight copies in a row of the 6-base unit GCTGGC starting at c.108; the reference has six copies in a row; two copies, 12 bases duplicated; also written c.132_143dup.
Protein change: p.38AL[8].
Molecular consequence: inframe insertion. On other transcripts: 5 prime UTR variant (1), non-coding transcript variant (2).
Genome position (GRCh38, 1-based): chr11:6,390,730-6,390,741, GCTGGCGCTGGC duplicated; duplicating any 12 consecutive bases within chr11:6,390,706-6,390,741 gives the same sequence; the position shown is the placement nearest the transcript's 3' end. VCF-style (leftmost placement, unchanged base first): chr11-6390705-T-TGCTGGCGCTGGC. GRCh37 (hg19) VCF-style: chr11-6411935-T-TGCTGGCGCTGGC.
Other names: c.132_143dup (NM_000543.5); c.108GCTGGC[8], p.38AL[8] (NM_001007593.3, NM_001318087.2, NM_001365135.2); c.-854GCTGGC[8] (NM_001318088.2); c.132_143dup12 (NM_000543.5).
Identifiers: ClinVar variation 992676 (VCV000992676.10), dbSNP rs3838786, ClinGen allele CA217299010.

ClinVar aggregate classification (germline): Conflicting classifications of pathogenicity. Review status: criteria provided, conflicting classifications (1 of 4 stars). 6 submissions from 6 submitters: Likely pathogenic (1); Uncertain significance (3); Likely benign (1). 1 of the submissions does not count toward it. Last evaluated 2025-09-02.

Conditions:
SMPD1-related disorder. Also called: SMPD1-related condition.
Niemann-Pick disease, type A. Also called: Infantile Neurovisceral ASMD (Niemann-Pick Disease Type A; NPD-A); SPHINGOMYELIN LIPIDOSIS; SPHINGOMYELINASE DEFICIENCY. Identifiers: Orphanet 77292, MedGen C0268242, MONDO:0009756, OMIM 257200. Disease mechanism: loss of function.
Niemann-Pick disease, type B. Also called: Chronic Visceral ASMD (Niemann-Pick Disease Type B; NPD-B). Identifiers: Orphanet 77293, MedGen C0268243, MONDO:0011871, OMIM 607616. Disease mechanism: loss of function.

Submissions (6):

Women's Health and Genetics/Laboratory Corporation of America, LabCorp
Classification: Uncertain significance. Last evaluated: 2025-09-02. Review status: criteria provided, single submitter. Criteria: LabCorp Variant Classification Summary - May 2015. Collection method: clinical testing. Allele origin: germline.
Comment: Variant summary: SMPD1 c.132_143dup12 (p.Ala46_Leu49dup) results in an in-frame duplication that is predicted to duplicate four amino acids into the encoded protein. The variant was absent in 238972 control chromosomes. The available data on variant occurrences in the general population are insufficient to allow any conclusion about variant significance. However, it is located in a polymorphic region where it is in overlap with other frequent in-frame deletion-insertion variants. c.132_143dup12 has been observed in individual(s) affected with Niemann-Pick Disease (Hu_2021). These report(s) do not provide unequivocal conclusions about association of the variant with Niemann-Pick Disease. A functional study analyzed the effect of variable numbers of Leu-Ala (LA) repeats in the signal peptide region, and found that variants encoding 2, 8 or 9 repeats resulted in significantly lowered ASM secretion rates compared to the wild-type with 6 LA-repeat (Rhein_2014). The following publications have been ascertained in the context of this evaluation (PMID: 33675270, 27814975, 25301364). ClinVar contains an entry for this variant (Variation ID: 992676). Based on the evidence outlined above, the variant was classified as uncertain significance.

PreventionGenetics, part of Exact Sciences
Classification: Uncertain significance for SMPD1-related condition. Last evaluated: 2025-06-25. Review status: criteria provided, single submitter. Criteria: ACMG Guidelines, 2015. Collection method: clinical testing. Allele origin: germline.
Comment: The SMPD1 c.132_143dup12 variant is predicted to result in an in-frame duplication (p.Ala46_Leu49dup). This variant was reported in an individual with Niemann-Pick disease (Table e1, Hu et al. 2021. PubMed ID: 33675270). This variant has not been reported in a large population database (gnomAD), indicating this variant is rare. This variant occurs in the region of alanine and leucine repeats in exon 1 and various duplications and deletions are frequently occurring and many have high population frequency in gnmomAD. In vitro functional study showed that this 8 Ala/Val repeat variant resulted in lower acid sphyngomyelinase secretion rate compared to wild type allele with 6 Ala/Val repeats (Rhein et al. 2014. PubMed ID: 25301364). At this time, the clinical significance of this variant is uncertain due to the absence of conclusive functional and genetic evidence.

Labcorp Genetics (formerly Invitae), Labcorp
Classification: Uncertain significance for Niemann-Pick disease, type B; Niemann-Pick disease, type A. Last evaluated: 2022-10-26. Review status: criteria provided, single submitter. Criteria: Invitae Variant Classification Sherloc (09022015). Collection method: clinical testing. Allele origin: germline.
Comment: This variant, c.132_143dup, results in the insertion of 4 amino acid(s) of the SMPD1 protein (p.Ala46_Leu49dup), but otherwise preserves the integrity of the reading frame. This variant is not present in population databases (gnomAD no frequency). This variant has been observed in individual(s) with SMPD1-related conditions (PMID: 33675270). ClinVar contains an entry for this variant (Variation ID: 992676). Experimental studies and prediction algorithms are not available or were not evaluated, and the functional significance of this variant is currently unknown. In summary, the available evidence is currently insufficient to determine the role of this variant in disease. Therefore, it has been classified as a Variant of Uncertain Significance.

GeneDx
Classification: Likely benign. Last evaluated: 2021-03-08. Review status: criteria provided, single submitter. Criteria: GeneDx Variant Classification Process June 2021. Collection method: clinical testing. Allele origin: germline. Affected: yes.

Huiwen Zhang's lab, Shanghai Jiao Tong University School of Medicine, Xinhua Hospital
Classification: Likely pathogenic for Niemann-Pick disease, type A; Niemann-Pick disease, type B. Last evaluated: 2020-12-30. Review status: criteria provided, single submitter. Criteria: ACMG Guidelines, 2015. Collection method: clinical testing. Allele origin: inherited. Affected: yes.

Natera, Inc.
Classification: Likely benign for Niemann-Pick Disease, Types A/B. Last evaluated: 2020-06-17. Review status: no assertion criteria provided. Collection method: clinical testing. Allele origin: germline. Not counted in ClinVar's aggregate classification.

Literature cited by the submitters: PubMed 25301364 (cited by Women's Health and Genetics/Laboratory Corporation of America, LabCorp); PubMed 33675270 (cited by Women's Health and Genetics/Laboratory Corporation of America, LabCorp and Labcorp Genetics (formerly Invitae), Labcorp); PubMed 27814975 (cited by Women's Health and Genetics/Laboratory Corporation of America, LabCorp).